The following is an entry in ClinVar:

NM_000179.3(MSH6):c.3185G>A (p.Cys1062Tyr)

Gene: MSH6 (mutS homolog 6; plus strand). Cytogenetic location: 2p16.3.
Variant type: single nucleotide variant.
Coding change: c.3185G>A on transcript NM_000179.3 (MANE Select); coding-DNA position 3185, G replaced by A.
Protein change: p.Cys1062Tyr; replaces cysteine 1062 with tyrosine.
Molecular consequence: missense variant.
Genome position (GRCh38, 1-based): chr2:47,803,432, G>A. VCF-style: chr2-47803432-G-A. GRCh37 (hg19) VCF-style: chr2-48030571-G-A.
Other names: c.2279G>A, p.Cys760Tyr (NM_001281493.2, NM_001281494.2); c.2795G>A, p.Cys932Tyr (NM_001281492.2); short protein forms C1062Y, C932Y, C760Y.
Identifiers: ClinVar variation 619583 (VCV000619583.5), dbSNP rs1558386797, ClinGen allele CA346757836.

ClinVar aggregate classification (germline): Conflicting classifications of pathogenicity. Review status: criteria provided, conflicting classifications (1 of 4 stars). 2 submissions from 2 submitters: Likely pathogenic (1); Uncertain significance (1). Last evaluated 2022-04-07.

Conditions:
Hereditary cancer-predisposing syndrome. Also called: Neoplastic Syndromes, Hereditary; Hereditary neoplastic syndrome; Tumor predisposition; Hereditary Cancer Syndrome. Identifiers: Orphanet 140162, MedGen C0027672, MeSH D009386, MONDO:0015356.
Lynch syndrome. Identifiers: Orphanet 144, MedGen C4552100, MONDO:0005835. Disease mechanism: loss of function.

Submissions (2):

Ambry Genetics
Classification: Uncertain significance for Hereditary cancer-predisposing syndrome. Last evaluated: 2022-04-07. Review status: criteria provided, single submitter. Criteria: Ambry Variant Classification Scheme 2023. Collection method: clinical testing. Allele origin: germline.
Comment: The p.C1062Y variant (also known as c.3185G>A), located in coding exon 5 of the MSH6 gene, results from a G to A substitution at nucleotide position 3185. The cysteine at codon 1062 is replaced by tyrosine, an amino acid with highly dissimilar properties. Using a Bayesian analysis that incorporates tumor mutation data, this variant was classified as likely pathogenic (Shirts BH et al. Am J Hum Genet, 2018 07;103:19-29). This amino acid position is not well conserved in available vertebrate species. In addition, the in silico prediction for this alteration is inconclusive. Since supporting evidence is limited at this time, the clinical significance of this alteration remains unclear.

University of Washington Department of Laboratory Medicine, University of Washington
Classification: Likely pathogenic for Lynch syndrome. Last evaluated: 2018-05-01. Review status: criteria provided, single submitter. Criteria: Shirts BH et al. (Am J Hum Genet 2018). Collection method: clinical testing. Allele origin: somatic. Affected: yes.
Comment: MSH6 NM_000179.2:c.3185G>A has a 96.3% probability of pathogenicity based on combining prior probability from public data with a likelihood ratio of 26.5 to 1, generated from evidence of seeing this as a somatic mutation in a tumor with loss of heterozygosity at the MSH6 locus. See Shirts et al 2018, PMID 29887214.

Literature cited by the submitters: PubMed 29887214 (cited by Ambry Genetics).